The following is an entry in ClinVar:

ClinVar aggregate classification (germline): Uncertain significance (1 of 4 stars; one submission).

Allele frequency attached by ClinVar (database versions not stated): TOPMed below 0.00001; ExAC 0.00001; gnomAD 0.00001; gnomAD exomes 0.00001.

Submission:

Labcorp Genetics (formerly Invitae), Labcorp
Classification: Uncertain significance. Last evaluated: 2025-05-04. Review status: criteria provided, single submitter. Criteria: Invitae Variant Classification Sherloc (09022015). Collection method: clinical testing. Allele origin: germline.
Comment: This sequence change replaces methionine, which is neutral and non-polar, with threonine, which is neutral and polar, at codon 336 of the ITPR1 protein (p.Met336Thr). This variant is present in population databases (rs766989686, gnomAD 0.003%). This variant has not been reported in the literature in individuals affected with ITPR1-related conditions. ClinVar contains an entry for this variant (Variation ID: 1898417). Invitae Evidence Modeling of protein sequence and biophysical properties (such as structural, functional, and spatial information, amino acid conservation, physicochemical variation, residue mobility, and thermodynamic stability) indicates that this missense variant is not expected to disrupt ITPR1 protein function with a negative predictive value of 95%. In summary, the available evidence is currently insufficient to determine the role of this variant in disease. Therefore, it has been classified as a Variant of Uncertain Significance.

NM_001378452.1(ITPR1):c.1052T>C (p.Met351Thr)

Gene: ITPR1 (inositol 1,4,5-trisphosphate receptor type 1; plus strand). Cytogenetic location: 3p26.1.
Variant type: single nucleotide variant.
Coding change: c.1052T>C on transcript NM_001378452.1 (MANE Select); coding-DNA position 1052, T replaced by C.
Protein change: p.Met351Thr; replaces methionine 351 with threonine.
Molecular consequence: missense variant.
Genome position (GRCh38, 1-based): chr3:4,658,179, T>C. VCF-style: chr3-4658179-T-C. GRCh37 (hg19) VCF-style: chr3-4699863-T-C.
Other names: c.1052T>C, p.Met351Thr (NM_001099952.4); c.1007T>C, p.Met336Thr (NM_001168272.2, NM_002222.7); short protein forms M336T, M351T.
Identifiers: ClinVar variation 1898417 (VCV001898417.5), dbSNP rs766989686, ClinGen allele CA2231085.
Genomic context (GRCh38, chr3:4,658,179, plus strand): 5'-CTCAGGTGGACCCTGATCAGGACGCCTCTCGAAGTAGGTTGCGGAATGCCCAAGAAAAGA[T>C]GGTATACTCCCTGGTCTCTGTGCCTGAAGGCAATGACATCTCCTCCATTTTCGAGCTAGA-3'
Protein context (NP_001365381.1, residues 341-361): RSRLRNAQEK[Met351Thr]VYSLVSVPEG